The following is an entry in ClinVar:

ClinVar aggregate classification (germline): Uncertain significance. Review status: criteria provided, multiple submitters, no conflicts (2 of 4 stars). 2 submissions from 2 submitters: Uncertain significance (2). Last evaluated 2025-05-12.

Allele frequency attached by ClinVar (database versions not stated): TOPMed 0.00001; gnomAD 0.00002 and 0.00003; gnomAD exomes 0.00002; ExAC 0.00003; 1000 Genomes Project 30x 0.00016; 1000 Genomes Project 0.00020.
gnomAD v4.1: 35 of 1,613,646 alleles (0.0022%); highest among the groups gnomAD compares: Non-Finnish European, 0.003%; no homozygotes.

Submissions (2):

GeneDx
Classification: Uncertain significance. Last evaluated: 2025-05-12. Review status: criteria provided, single submitter. Criteria: GeneDx Variant Classification Process June 2021. Collection method: clinical testing. Allele origin: germline. Affected: yes.
Comment: In silico analysis indicates that this missense variant does not alter protein structure/function; Has not been previously published as pathogenic or benign to our knowledge

Labcorp Genetics (formerly Invitae), Labcorp
Classification: Uncertain significance. Last evaluated: 2023-07-08. Review status: criteria provided, single submitter. Criteria: Invitae Variant Classification Sherloc (09022015). Collection method: clinical testing. Allele origin: germline.
Comment: In summary, the available evidence is currently insufficient to determine the role of this variant in disease. Therefore, it has been classified as a Variant of Uncertain Significance. An algorithm developed to predict the effect of missense changes on protein structure and function (PolyPhen-2) suggests that this variant is likely to be disruptive. ClinVar contains an entry for this variant (Variation ID: 388830). This variant has not been reported in the literature in individuals affected with ANK3-related conditions. This variant is present in population databases (rs199850352, gnomAD 0.004%). This sequence change replaces isoleucine, which is neutral and non-polar, with valine, which is neutral and non-polar, at codon 4174 of the ANK3 protein (p.Ile4174Val).

NM_020987.5(ANK3):c.12520A>G (p.Ile4174Val)

Gene: ANK3 (ankyrin 3; minus strand). Cytogenetic location: 10q21.2.
Variant type: single nucleotide variant.
Coding change: c.12520A>G on transcript NM_020987.5 (MANE Select); coding-DNA position 12520, A replaced by G.
Protein change: p.Ile4174Val; replaces isoleucine 4174 with valine.
Molecular consequence: missense variant.
Genome position (GRCh38, 1-based): chr10:60,063,186, T>C on the plus strand (A>G on the coding strand, the complement: ANK3 is on the minus strand). VCF-style: chr10-60063186-T-C. GRCh37 (hg19) VCF-style: chr10-61822944-T-C.
Other names: c.2083A>G, p.Ile695Val (NM_001149.4); c.4663A>G, p.Ile1555Val (NM_001204403.2); c.4684A>G, p.Ile1562Val (NM_001204404.2); c.4681A>G, p.Ile1561Val (NM_001320874.2); short protein forms I1555V, I4174V, I695V, I1561V, I1562V.
Identifiers: ClinVar variation 388830 (VCV000388830.7), dbSNP rs199850352, ClinGen allele CA5510869.
Genomic context (GRCh38, chr10:60,063,186, plus strand): 5'-GGAAAACATTGTTCTCATCTGCAAAACTTCTGGTGCCTGAAATATTTCCATAATCAAATA[T>C]TGGTCCTTCTAGCAGTGTCACTATATCTATTCGATTAATTTTTGTCAAGACCGAAGTTAA-3'
Protein context (NP_066267.2, residues 4164-4184): IDIVTLLEGP[Ile4174Val]FDYGNISGTR